The following is an entry in ClinVar:

NM_014008.5(CCDC22):c.1635+1G>C

Gene: CCDC22 (CCC complex scaffolding subunit CCDC22; plus strand). Cytogenetic location: Xp11.23.
Variant type: single nucleotide variant.
Coding change: c.1635+1G>C on transcript NM_014008.5 (MANE Select); the canonical splice donor site of the intron after coding-DNA position 1635, G replaced by C.
Molecular consequence: splice donor variant.
Genome position (GRCh38, 1-based): chrX:49,249,263, G>C. VCF-style: chrX-49249263-G-C. GRCh37 (hg19) VCF-style: chrX-49105724-G-C.
Identifiers: ClinVar variation 4649435 (VCV004649435.1).

ClinVar aggregate classification (germline): Uncertain significance (1 of 4 stars; one submission).

Submission:

Ambry Genetics
Classification: Uncertain significance. Last evaluated: 2025-10-03. Review status: criteria provided, single submitter. Criteria: Ambry Variant Classification Scheme 2023. Collection method: clinical testing. Allele origin: germline.
Comment: The c.1635+1G>C intronic variant consists of a G to C substitution one nucleotide after coding exon 14 of the CCDC22 gene. Alterations that disrupt the canonical splice site are expected to result in aberrant splicing. The resulting transcript is predicted to be in-frame and is not expected to trigger nonsense-mediated mRNA decay, although direct evidence is unavailable. This variant was not reported in population-based cohorts in the Genome Aggregation Database (gnomAD). This nucleotide position is highly conserved in available vertebrate species. In silico splice site analysis predicts that this alteration will weaken the native splice donor site and may result in the creation or strengthening of a novel splice donor site. Based on insufficient or conflicting evidence, the clinical significance of this alteration remains unclear.